The following is an entry in ClinVar:

ClinVar aggregate classification (germline): Uncertain significance. Review status: criteria provided, multiple submitters, no conflicts (2 of 4 stars). 3 submissions from 3 submitters: Uncertain significance (3). Last evaluated 2026-03-14.

Conditions:
Bardet-Biedl syndrome (BBS). Identifiers: Orphanet 110, MedGen C0752166, MONDO:0015229.
Bardet-Biedl syndrome 10 (BBS10). Identifiers: Orphanet 110, MedGen C1859568, MONDO:0014438, OMIM 615987.
BBS10-related disorder. Also called: BBS10-related condition.

Allele frequency attached by ClinVar (database versions not stated): gnomAD exomes below 0.00001; ExAC 0.00001; gnomAD 0.00002; TOPMed 0.00003.
gnomAD v4.1: 3 of 1,614,018 alleles (0.00019%); highest among the groups gnomAD compares: African/African-American, 0.004%; no homozygotes.

Submissions (3):

PreventionGenetics, part of Exact Sciences
Classification: Uncertain significance for BBS10-related condition. Last evaluated: 2026-03-14. Review status: criteria provided, single submitter. Criteria: ACMG Guidelines, 2015. Collection method: clinical testing. Allele origin: germline.
Comment: The BBS10 c.1427A>G variant is predicted to result in the amino acid substitution p.Asn476Ser. To our knowledge, this variant has not been reported in the literature. This variant is reported in 0.0062% of alleles in individuals of African descent in gnomAD. At this time, the clinical significance of this variant is uncertain due to the absence of conclusive functional and genetic evidence.

Labcorp Genetics (formerly Invitae), Labcorp
Classification: Uncertain significance for Bardet-Biedl syndrome. Last evaluated: 2022-09-27. Review status: criteria provided, single submitter. Criteria: Invitae Variant Classification Sherloc (09022015). Collection method: clinical testing. Allele origin: germline.
Comment: This sequence change replaces asparagine, which is neutral and polar, with serine, which is neutral and polar, at codon 476 of the BBS10 protein (p.Asn476Ser). This variant is present in population databases (rs770239827, gnomAD 0.007%). This variant has not been reported in the literature in individuals affected with BBS10-related conditions. ClinVar contains an entry for this variant (Variation ID: 1381653). Advanced modeling of protein sequence and biophysical properties (such as structural, functional, and spatial information, amino acid conservation, physicochemical variation, residue mobility, and thermodynamic stability) performed at Invitae indicates that this missense variant is not expected to disrupt BBS10 protein function. In summary, the available evidence is currently insufficient to determine the role of this variant in disease. Therefore, it has been classified as a Variant of Uncertain Significance.

Fulgent Genetics
Classification: Uncertain significance for Bardet-Biedl syndrome 10. Last evaluated: 2022-03-02. Review status: criteria provided, single submitter. Criteria: ACMG Guidelines, 2015. Collection method: clinical testing. Allele origin: unknown.

NM_024685.4(BBS10):c.1427A>G (p.Asn476Ser)

Gene: BBS10 (Bardet-Biedl syndrome 10; minus strand). Cytogenetic location: 12q21.2.
Variant type: single nucleotide variant.
Coding change: c.1427A>G on transcript NM_024685.4 (MANE Select); coding-DNA position 1427, A replaced by G.
Protein change: p.Asn476Ser; replaces asparagine 476 with serine.
Molecular consequence: missense variant.
Genome position (GRCh38, 1-based): chr12:76,346,558, T>C on the plus strand (A>G on the coding strand, the complement: BBS10 is on the minus strand). VCF-style: chr12-76346558-T-C. GRCh37 (hg19) VCF-style: chr12-76740338-T-C.
Other names: c.1427A>G (NM_024685.3); short protein forms N476S.
Identifiers: ClinVar variation 1381653 (VCV001381653.5), dbSNP rs770239827, ClinGen allele CA6694175.